The following is an entry in ClinVar:

ClinVar aggregate classification (germline): Likely benign (1 of 4 stars; one submission).

Allele frequency attached by ClinVar (database versions not stated): ExAC 0.00002; gnomAD exomes 0.00002.

Submission:

CeGaT Center for Human Genetics Tuebingen
Classification: Likely benign. Last evaluated: 2024-02-01. Review status: criteria provided, single submitter. Criteria: CeGaT Center For Human Genetics Tuebingen Variant Classification Criteria Version 2. Collection method: clinical testing. Allele origin: germline. Affected: yes. Observed: 1 variant allele.
Comment: CIC: BP4, BP7

NM_001386298.1(CIC):c.3801C>T (p.Ser1267=)

Gene: CIC (capicua transcriptional repressor; plus strand). Cytogenetic location: 19q13.2.
Variant type: single nucleotide variant.
Coding change: c.3801C>T on transcript NM_001386298.1 (MANE Select); coding-DNA position 3801, C replaced by T.
Protein change: p.Ser1267=; no amino-acid change (serine 1267 retained).
Molecular consequence: synonymous variant.
Genome position (GRCh38, 1-based): chr19:42,289,030, C>T. VCF-style: chr19-42289030-C-T. GRCh37 (hg19) VCF-style: chr19-42793182-C-T.
Other names: c.3801C>T, p.Ser1267= (NM_001304815.2, NM_001379480.1, NM_001379482.1 and 1 more transcripts); c.1074C>T, p.Ser358= (NM_001379484.1, NM_001379485.1, NM_015125.5).
Identifiers: ClinVar variation 3025988 (VCV003025988.22), dbSNP rs745712396, ClinGen allele CA9471870.